The following is an entry in ClinVar:

ClinVar aggregate classification (germline): Conflicting classifications of pathogenicity. Review status: criteria provided, conflicting classifications (1 of 4 stars). 4 submissions from 4 submitters: Uncertain significance (3); Likely benign (1). Last evaluated 2025-11-24.

Conditions:
Diabetic retinopathy. Identifiers: MedGen C0011884, MONDO:0005266.
Familial thoracic aortic aneurysm and aortic dissection (TAAD). Also called: Thoracic aortic aneurysms and dissections. Identifiers: Orphanet 91387, MedGen C4707243, MONDO:0019625.

Allele frequency attached by ClinVar (database versions not stated): gnomAD 0.00001; TOPMed 0.00001.
gnomAD v4.1: 11 of 1,586,932 alleles (0.00069%); highest among the groups gnomAD compares: Non-Finnish European, 0.00094%; no homozygotes.

Submissions (4):

Labcorp Genetics (formerly Invitae), Labcorp
Classification: Uncertain significance for Familial thoracic aortic aneurysm and aortic dissection. Last evaluated: 2025-11-24. Review status: criteria provided, single submitter. Criteria: Invitae Variant Classification Sherloc (09022015). Collection method: clinical testing. Allele origin: germline.
Comment: This sequence change falls in intron 1 of the TGFBR2 gene. It does not directly change the encoded amino acid sequence of the TGFBR2 protein. It affects a nucleotide within the consensus splice site. This variant is not present in population databases (gnomAD no frequency). This variant has been observed in individual(s) with aortic dissection (PMID: 29510914). ClinVar contains an entry for this variant (Variation ID: 918998). Variants that disrupt the consensus splice site are a relatively common cause of aberrant splicing (PMID: 17576681, 9536098). Algorithms developed to predict the effect of sequence changes on RNA splicing suggest that this variant may disrupt the consensus splice site. In summary, the available evidence is currently insufficient to determine the role of this variant in disease. Therefore, it has been classified as a Variant of Uncertain Significance.

Color Diagnostics, LLC DBA Color Health
Classification: Uncertain significance for Familial thoracic aortic aneurysm and aortic dissection. Last evaluated: 2025-05-20. Review status: criteria provided, single submitter. Criteria: ACMG Guidelines, 2015. Collection method: clinical testing. Allele origin: germline.
Comment: This variant causes a T to G nucleotide substitution at the +6 position of intron 1 of the TGFBR2 gene. To our knowledge, functional studies have not been reported for this variant. This variant has been reported in an individual affected with type B aortic dissection (PMID: 29510914). This variant has not been identified in the general population by the Genome Aggregation Database (gnomAD). The available evidence is insufficient to determine the role of this variant in disease conclusively. Therefore, this variant is classified as a Variant of Uncertain Significance.

GeneDx
Classification: Uncertain significance. Last evaluated: 2022-04-29. Review status: criteria provided, single submitter. Criteria: GeneDx Variant Classification Process June 2021. Collection method: clinical testing. Allele origin: germline. Affected: yes.
Comment: Not observed at significant frequency in large population cohorts (gnomAD); In silico analysis supports that this variant does not alter splicing; Has not been previously published as pathogenic or benign to our knowledge

Clinical Genomics, Uppaluri K&H Personalized Medicine Clinic
Classification: Likely benign for Diabetic retinopathy. Review status: criteria provided, single submitter. Criteria: K And H Uppaluri Personalized Medicine Clinic Variant Classification And Assertion Criteria Updated V 2. Collection method: research. Allele origin: unknown.
Comment: Potent mutations in TGFBR2 gene encodes the transforming growth factor that have been associated with angiogenesis and diabetic retinopathy. More clinical studies are needed for stronger association. However, more evidence is required to confer the association of this particular variant rs1269699495 with diabetic retinopathy.

Literature cited by the submitters: PubMed 29510914 (cited by Labcorp Genetics (formerly Invitae), Labcorp and Color Diagnostics, LLC DBA Color Health); PubMed 17576681 (cited by Labcorp Genetics (formerly Invitae), Labcorp); PubMed 9536098 (cited by Labcorp Genetics (formerly Invitae), Labcorp); PubMed 30222965 (cited by Clinical Genomics, Uppaluri K&H Personalized Medicine Clinic); PubMed 28162229 (cited by Clinical Genomics, Uppaluri K&H Personalized Medicine Clinic); PubMed 34572573 (cited by Clinical Genomics, Uppaluri K&H Personalized Medicine Clinic).

NM_003242.6(TGFBR2):c.94+6T>G

Gene: TGFBR2 (transforming growth factor beta receptor 2; plus strand). Cytogenetic location: 3p24.1.
Variant type: single nucleotide variant.
Coding change: c.94+6T>G on transcript NM_003242.6 (MANE Select); 6 bases into the intron after coding-DNA position 94, T replaced by G.
Molecular consequence: intron variant.
Genome position (GRCh38, 1-based): chr3:30,606,983, T>G. VCF-style: chr3-30606983-T-G. GRCh37 (hg19) VCF-style: chr3-30648475-T-G.
Other names: c.-12+390T>G (NM_001407129.1, NM_001407132.1); c.-200+6T>G (NM_001407136.1); c.-190+6T>G (NM_001407133.1); c.94+6T>G (NM_001407126.1, NM_001024847.3, NM_001407139.1 and 4 more transcripts); c.-115+6T>G (NM_001407135.1); c.-68+6T>G (NM_001407134.1).
Identifiers: ClinVar variation 918998 (VCV000918998.15), dbSNP rs1269699495, ClinGen allele CA433010226.